The following is an entry in ClinVar:

ClinVar aggregate classification (germline): Uncertain significance (1 of 4 stars; one submission).

Submission:

Labcorp Genetics (formerly Invitae), Labcorp
Classification: Uncertain significance. Last evaluated: 2020-03-20. Review status: criteria provided, single submitter. Criteria: Invitae Variant Classification Sherloc (09022015). Collection method: clinical testing. Allele origin: germline.
Comment: In summary, the available evidence is currently insufficient to determine the role of this variant in disease. Therefore, it has been classified as a Variant of Uncertain Significance. This variant results in an extension of the PDE6B protein. Other variant(s) that result in a similarly extended protein product (p.*855Trpext*30) have been observed in individuals with PDE6B-related conditions (PMID: 30998820). This suggests that these extensions may be clinically significant. Experimental studies and prediction algorithms are not available or were not evaluated, and the functional significance of this variant is currently unknown. This variant has not been reported in the literature in individuals with PDE6B-related conditions. This variant is not present in population databases (ExAC no frequency). This sequence change disrupts the translational stop signal of the PDE6B mRNA. It is expected to extend the length of the PDE6B protein by 30 additional amino acid residues.

Literature cited by the submitters: PubMed 30998820.

NM_000283.4(PDE6B):c.2565A>C (p.Ter855Cys)

Gene: PDE6B (phosphodiesterase 6B; plus strand). Cytogenetic location: 4p16.3.
Variant type: single nucleotide variant.
Coding change: c.2565A>C on transcript NM_000283.4 (MANE Select); coding-DNA position 2565, A replaced by C.
Protein change: p.Ter855Cys.
Molecular consequence: stop lost. On other transcripts: missense variant (2).
Genome position (GRCh38, 1-based): chr4:670,107, A>C. VCF-style: chr4-670107-A-C. GRCh37 (hg19) VCF-style: chr4-663896-A-C.
Other names: c.2562A>C, p.Ter854Cys (NM_001145291.2); c.1728A>C, p.Ter576Cys (NM_001145292.2, NM_001379246.1, NM_001379247.1); c.1663A>C, p.Ser555Arg (NM_001350154.3); c.1345A>C, p.Ser449Arg (NM_001350155.3); short protein forms S449R, S555R.
Identifiers: ClinVar variation 1061685 (VCV001061685.9), dbSNP rs2109297480, ClinGen allele CA355920850.
Genomic context (GRCh38, chr4:670,107, plus strand): 5'-AGGCACAGAAATTTGCAATGGCGGCCCAGCACCCAAGTCTTCAACCTGCTGTATCCTGTG[A>C]GCACTGGTCCCATGGGGACCCTATGGCTCCCTCAATCTTCACCCACTAGGATTTGGGTTC-3'